The following is an entry in ClinVar:

ClinVar aggregate classification (germline): Uncertain significance (1 of 4 stars; one submission).

Submission:

GeneDx
Classification: Uncertain significance. Last evaluated: 2026-02-24. Review status: criteria provided, single submitter. Criteria: GeneDx Variant Classification Process June 2021. Collection method: clinical testing. Allele origin: germline.
Comment: Not observed at significant frequency in large population cohorts (gnomAD); In silico analysis suggests that this missense variant does not alter protein structure/function; Has not been previously published as pathogenic or benign to our knowledge

NM_020987.5(ANK3):c.11637C>A (p.Asn3879Lys)

Gene: ANK3 (ankyrin 3; minus strand). Cytogenetic location: 10q21.2.
Variant type: single nucleotide variant.
Coding change: c.11637C>A on transcript NM_020987.5 (MANE Select); coding-DNA position 11637, C replaced by A.
Protein change: p.Asn3879Lys; replaces asparagine 3879 with lysine.
Molecular consequence: missense variant. On other transcripts: intron variant (4).
Genome position (GRCh38, 1-based): chr10:60,069,244, G>T on the plus strand (C>A on the coding strand, the complement: ANK3 is on the minus strand). VCF-style: chr10-60069244-G-T. GRCh37 (hg19) VCF-style: chr10-61829002-G-T.
Other names: c.4388-1235C>A (NM_001204403.2); c.4409-1235C>A (NM_001204404.2); c.4406-1235C>A (NM_001320874.2); c.1808-1235C>A (NM_001149.4); short protein forms N3879K.
Identifiers: ClinVar variation 5009799 (VCV005009799.1).
Genomic context (GRCh38, chr10:60,069,244, plus strand): 5'-TTTGGTTTTCTCGGATTGACTAACCTGCTTCATTTTACTTGCTTTAGTGTTTGACATATG[G>T]TTCGGTGGGAAGGTATCTTTTGGTGAAGTGGCCTTTATGGGAAGTTTGGATTTTTGCCTA-3'
Protein context (NP_066267.2, residues 3869-3889): ATSPKDTFPP[Asn3879Lys]HMSNTKASKM